The following is an entry in ClinVar:

ClinVar aggregate classification (germline): Uncertain significance. Review status: criteria provided, multiple submitters, no conflicts (2 of 4 stars). 2 submissions from 2 submitters: Uncertain significance (2). Last evaluated 2023-08-10.

Conditions:
Early-infantile DEE. Also called: Ohtahara syndrome; Early infantile epileptic encephalopathy; Early infantile epileptic encephalopathy with suppression bursts. Identifiers: Orphanet 1934, MedGen C0393706, MONDO:0800491.

Submissions (2):

Labcorp Genetics (formerly Invitae), Labcorp
Classification: Uncertain significance for Early-infantile DEE. Last evaluated: 2023-08-10. Review status: criteria provided, single submitter. Criteria: Invitae Variant Classification Sherloc (09022015). Collection method: clinical testing. Allele origin: germline.
Comment: In summary, the available evidence is currently insufficient to determine the role of this variant in disease. Therefore, it has been classified as a Variant of Uncertain Significance. Advanced modeling of protein sequence and biophysical properties (such as structural, functional, and spatial information, amino acid conservation, physicochemical variation, residue mobility, and thermodynamic stability) performed at Invitae indicates that this missense variant is not expected to disrupt SCN8A protein function. ClinVar contains an entry for this variant (Variation ID: 391947). This variant has not been reported in the literature in individuals affected with SCN8A-related conditions. This variant is not present in population databases (gnomAD no frequency). This sequence change replaces valine, which is neutral and non-polar, with alanine, which is neutral and non-polar, at codon 1031 of the SCN8A protein (p.Val1031Ala).

GeneDx
Classification: Uncertain significance. Last evaluated: 2018-12-17. Review status: criteria provided, single submitter. Criteria: GeneDx Variant Classification (06012015). Collection method: clinical testing. Allele origin: germline. Affected: yes.
Comment: A variant of uncertain significance has been identified in the SCN8A gene. The V1031A variant has not been published as a pathogenic variant, nor has it been reported as a benign variant to our knowledge. The SCN8A variant is not observed in large population cohorts (Lek et al., 2016; 1000 Genomes Consortium et al., 2015; Exome Variant Server). This substitution occurs at a position that is conserved in mammals which is predicted to be within the cytoplasmic topological domain between S6 of second homologous domain and S1 of the third homologous domain. However, the V1031A variant is a conservative amino acid substitution, which is not likely to impact secondary protein structure as these residues share similar properties. In silico analysis is inconsistent in its predictions as to whether or not the variant is damaging to the protein structure/function. Therefore, based on the currently available information, it is unclear whether this variant is a pathogenic variant or a rare benign variant.

NM_001330260.2(SCN8A):c.3092T>C (p.Val1031Ala)

Gene: SCN8A (sodium voltage-gated channel alpha subunit 8; plus strand). Cytogenetic location: 12q13.13.
Variant type: single nucleotide variant.
Coding change: c.3092T>C on transcript NM_001330260.2 (MANE Select); coding-DNA position 3092, T replaced by C.
Protein change: p.Val1031Ala; replaces valine 1031 with alanine.
Molecular consequence: missense variant.
Genome position (GRCh38, 1-based): chr12:51,769,055, T>C. VCF-style: chr12-51769055-T-C. GRCh37 (hg19) VCF-style: chr12-52162839-T-C.
Other names: c.3092T>C, p.Val1031Ala (NM_001177984.3, NM_001369788.1, NM_014191.4); short protein forms V1031A.
Identifiers: ClinVar variation 391947 (VCV000391947.11), dbSNP rs1057524300, ClinGen allele CA16606571.